The following is an entry in ClinVar:

ClinVar aggregate classification (germline): Uncertain significance (1 of 4 stars; one submission).

Allele frequency attached by ClinVar (database versions not stated): gnomAD exomes below 0.00001.
gnomAD v4.1: 1 of 1,604,762 alleles (0.000062%); highest among the groups gnomAD compares: South Asian, 0.0011%; no homozygotes.

Submission:

Ambry Genetics
Classification: Uncertain significance. Last evaluated: 2023-07-15. Review status: criteria provided, single submitter. Criteria: Ambry Variant Classification Scheme 2023. Collection method: clinical testing. Allele origin: germline.
Comment: The p.P85L variant (also known as c.254C>T), located in coding exon 4 of the RAD54L gene, results from a C to T substitution at nucleotide position 254. The proline at codon 85 is replaced by leucine, an amino acid with similar properties. This amino acid position is conserved. In addition, this alteration is predicted to be deleterious by in silico analysis. Since supporting evidence is limited at this time, the clinical significance of this alteration remains unclear.

NM_003579.4(RAD54L):c.254C>T (p.Pro85Leu)

Gene: RAD54L (RAD54 like; plus strand). Cytogenetic location: 1p34.1.
Variant type: single nucleotide variant.
Coding change: c.254C>T on transcript NM_003579.4 (MANE Select); coding-DNA position 254, C replaced by T.
Protein change: p.Pro85Leu; replaces proline 85 with leucine.
Molecular consequence: missense variant. On other transcripts: 5 prime UTR variant (1).
Genome position (GRCh38, 1-based): chr1:46,258,729, C>T. VCF-style: chr1-46258729-C-T. GRCh37 (hg19) VCF-style: chr1-46724401-C-T.
Other names: c.254C>T, p.Pro85Leu (NM_001142548.2); c.-287C>T (NM_001370766.1); short protein forms P85L.
Identifiers: ClinVar variation 2594180 (VCV002594180.2), dbSNP rs2525660617, ClinGen allele CA340180847.